The following is an entry in ClinVar:

NM_001283009.2(RTEL1):c.1330A>C (p.Thr444Pro)

Genes: RTEL1 (regulator of telomere elongation helicase 1; plus strand), RTEL1-TNFRSF6B (RTEL1-TNFRSF6B readthrough (NMD candidate); plus strand). Cytogenetic location: 20q13.33.
Variant type: single nucleotide variant.
Coding change: c.1330A>C on transcript NM_001283009.2 (MANE Select); coding-DNA position 1330, A replaced by C.
Protein change: p.Thr444Pro; replaces threonine 444 with proline.
Molecular consequence: missense variant. On other transcripts: non-coding transcript variant (1).
Genome position (GRCh38, 1-based): chr20:63,685,854, A>C. VCF-style: chr20-63685854-A-C. GRCh37 (hg19) VCF-style: chr20-62317207-A-C.
Other names: c.661A>C, p.Thr221Pro (NM_001283010.1); c.1330A>C, p.Thr444Pro (NM_016434.4); c.1402A>C, p.Thr468Pro (NM_032957.5); short protein forms T444P, T221P, T468P.
Identifiers: ClinVar variation 4157589 (VCV004157589.1).

ClinVar aggregate classification (germline): Uncertain significance (1 of 4 stars; one submission).

Conditions:
Inborn genetic diseases. Identifiers: MedGen C0950123, MeSH D030342.

Submission:

Ambry Genetics
Classification: Uncertain significance for Inborn genetic diseases. Last evaluated: 2025-07-05. Review status: criteria provided, single submitter. Criteria: Ambry Variant Classification Scheme 2023. Collection method: clinical testing. Allele origin: germline.
Comment: The p.T444P variant (also known as c.1330A>C), located in coding exon 15 of the RTEL1 gene, results from an A to C substitution at nucleotide position 1330. The threonine at codon 444 is replaced by proline, an amino acid with highly similar properties. This amino acid position is conserved. In addition, this alteration is predicted to be tolerated by in silico analysis. Based on the available evidence, the clinical significance of this variant remains unclear.